The following is an entry in ClinVar:

NM_001267550.2(TTN):c.78018C>T (p.Ser26006=)

Genes: TTN (titin; minus strand), TTN-AS1 (TTN antisense RNA 1; plus strand). Cytogenetic location: 2q31.2.
Variant type: single nucleotide variant.
Coding change: c.78018C>T on transcript NM_001267550.2 (MANE Select); coding-DNA position 78018, C replaced by T.
Protein change: p.Ser26006=; no amino-acid change (serine 26006 retained).
Molecular consequence: synonymous variant.
Genome position (GRCh38, 1-based): chr2:178,568,114, G>A on the plus strand (C>T on the coding strand, the complement: TTN is on the minus strand). VCF-style: chr2-178568114-G-A. GRCh37 (hg19) VCF-style: chr2-179432841-G-A.
Other names: c.73095C>T, p.Ser24365= (NM_001256850.1); c.50823C>T, p.Ser16941= (NM_003319.4); c.70314C>T, p.Ser23438= (NM_133378.4); c.51198C>T, p.Ser17066= (NM_133432.3); c.51399C>T, p.Ser17133= (NM_133437.4).
Identifiers: ClinVar variation 3067403 (VCV003067403.22), dbSNP rs1251763487, ClinGen allele CA430253346.

ClinVar aggregate classification (germline): Likely benign. Review status: criteria provided, multiple submitters, no conflicts (2 of 4 stars). 2 submissions from 2 submitters: Likely benign (2). Last evaluated 2026-01-26.

Conditions:
Autosomal recessive limb-girdle muscular dystrophy type 2J (LGMDR10). Also called: Limb-girdle muscular dystrophy, type 2J; MUSCULAR DYSTROPHY, LIMB-GIRDLE, AUTOSOMAL RECESSIVE 10. Identifiers: Orphanet 140922, MedGen C1837342, MONDO:0012127, OMIM 608807.
Dilated cardiomyopathy 1G (CMD1G). Identifiers: Orphanet 154, MedGen C1858763, MONDO:0011400, OMIM 604145.

Allele frequency attached by ClinVar (database versions not stated): gnomAD exomes below 0.00001.
gnomAD v4.1: 3 of 1,613,416 alleles (0.00019%); highest among the groups gnomAD compares: Middle Eastern, 0.017%; no homozygotes.

Submissions (2):

Labcorp Genetics (formerly Invitae), Labcorp
Classification: Likely benign for Dilated cardiomyopathy 1G; Autosomal recessive limb-girdle muscular dystrophy type 2J. Last evaluated: 2026-01-26. Review status: criteria provided, single submitter. Criteria: Invitae Variant Classification Sherloc (09022015). Collection method: clinical testing. Allele origin: germline.

CeGaT Center for Human Genetics Tuebingen
Classification: Likely benign. Last evaluated: 2024-08-01. Review status: criteria provided, single submitter. Criteria: CeGaT Center For Human Genetics Tuebingen Variant Classification Criteria Version 2. Collection method: clinical testing. Allele origin: germline. Affected: yes. Observed: 5 variant alleles.
Comment: TTN: BP4, BP7